The following is an entry in ClinVar:

ClinVar aggregate classification (germline): Benign/Likely benign. Review status: criteria provided, multiple submitters, no conflicts (2 of 4 stars). 5 submissions from 5 submitters: Benign (1); Likely benign (4). Last evaluated 2024-10-29.

Conditions:
Hereditary cancer-predisposing syndrome. Also called: Neoplastic Syndromes, Hereditary; Tumor predisposition; Hereditary neoplastic syndrome; Hereditary Cancer Syndrome. Identifiers: Orphanet 140162, MedGen C0027672, MeSH D009386, MONDO:0015356.
Familial cancer of breast. Also called: Hereditary breast cancer; hereditary breast carcinoma; BREAST CANCER, FAMILIAL. Identifiers: Orphanet 227535, MedGen C0346153, MONDO:0016419, OMIM 114480. Disease mechanism: loss of function.

Submissions (5):

Ambry Genetics
Classification: Likely benign for Hereditary cancer-predisposing syndrome. Last evaluated: 2024-10-29. Review status: criteria provided, single submitter. Criteria: Ambry Variant Classification Scheme 2023. Collection method: clinical testing. Allele origin: germline.

Myriad Genetics, Inc.
Classification: Benign for Familial cancer of breast. Last evaluated: 2024-07-22. Review status: criteria provided, single submitter. Criteria: Myriad Autosomal Dominant, Autosomal Recessive and X-Linked Classification Criteria (2023). Collection method: clinical testing. Allele origin: unknown.
Comment: This variant is considered benign. This variant is a silent/synonymous amino acid change and it is not expected to impact splicing.

Blueprint Genetics
Classification: Likely benign. Last evaluated: 2024-01-11. Review status: criteria provided, single submitter. Criteria: ACMG Guidelines, 2015. Collection method: clinical testing. Allele origin: germline.

Labcorp Genetics (formerly Invitae), Labcorp
Classification: Likely benign for Familial cancer of breast. Last evaluated: 2022-11-20. Review status: criteria provided, single submitter. Criteria: Invitae Variant Classification Sherloc (09022015). Collection method: clinical testing. Allele origin: germline.

Color Diagnostics, LLC DBA Color Health
Classification: Likely benign for Hereditary cancer-predisposing syndrome. Last evaluated: 2020-01-15. Review status: criteria provided, single submitter. Criteria: ACMG Guidelines, 2015. Collection method: clinical testing. Allele origin: germline.

NM_000465.4(BARD1):c.429T>A (p.Ile143=)

Gene: BARD1 (BRCA1 associated RING domain 1; minus strand). Cytogenetic location: 2q35.
Variant type: single nucleotide variant.
Coding change: c.429T>A on transcript NM_000465.4 (MANE Select); coding-DNA position 429, T replaced by A.
Protein change: p.Ile143=; no amino-acid change (isoleucine 143 retained).
Molecular consequence: synonymous variant. On other transcripts: non-coding transcript variant (2), intron variant (3).
Genome position (GRCh38, 1-based): chr2:214,781,445, A>T on the plus strand (T>A on the coding strand, the complement: BARD1 is on the minus strand). VCF-style: chr2-214781445-A-T. GRCh37 (hg19) VCF-style: chr2-215646169-A-T.
Other names: c.372T>A, p.Ile124= (NM_001282543.2); c.158+27967T>A (NM_001282548.2); c.215+15616T>A (NM_001282545.2); c.364+10852T>A (NM_001282549.2); c.429T>A (NM_000465.2).
Identifiers: ClinVar variation 1332127 (VCV001332127.14), dbSNP rs1695029571, ClinGen allele CA431136374.